The following is an entry in ClinVar:

NM_001382391.1(CSPP1):c.-10-1G>T

Gene: CSPP1 (centrosome and spindle pole associated protein 1; plus strand). Cytogenetic location: 8q13.1.
Variant type: single nucleotide variant.
Coding change: c.-10-1G>T on transcript NM_001382391.1 (MANE Select); the canonical splice acceptor site of the intron before 10 bases upstream of the start codon, G replaced by T.
Molecular consequence: splice acceptor variant.
Genome position (GRCh38, 1-based): chr8:67,074,242, G>T. VCF-style: chr8-67074242-G-T. GRCh37 (hg19) VCF-style: chr8-67986477-G-T.
Other names: c.-10-1G>T (NM_001363132.2, NM_001363131.2, NM_001363133.2); c.99-1G>T (NM_001364869.1, NM_024790.7, NM_001438331.1 and 3 more transcripts).
Identifiers: ClinVar variation 2984323 (VCV002984323.4), dbSNP rs765909612, ClinGen allele CA4770095.

ClinVar aggregate classification (germline): Likely pathogenic (1 of 4 stars; one submission).

Conditions:
Joubert syndrome 21 (JBTS21). Identifiers: MedGen C3810212, MONDO:0014288, OMIM 615636.

Allele frequency attached by ClinVar (database versions not stated): gnomAD exomes below 0.00001; ExAC 0.00001.
gnomAD v4.1: 1 of 1,592,412 alleles (0.000063%); highest among the groups gnomAD compares: Non-Finnish European, 0.000086%; no homozygotes.

Submissions (2):

Labcorp Genetics (formerly Invitae), Labcorp
Classification: Likely pathogenic for Joubert syndrome 21. Last evaluated: 2023-12-13. Review status: criteria provided, single submitter. Criteria: Invitae Variant Classification Sherloc (09022015). Collection method: clinical testing. Allele origin: germline.
Comment: This sequence change affects an acceptor splice site in intron 1 of the CSPP1 gene. It is expected to disrupt RNA splicing. Variants that disrupt the donor or acceptor splice site typically lead to a loss of protein function (PMID: 16199547), and loss-of-function variants in CSPP1 are known to be pathogenic (PMID: 24360807, 24360808). This variant is present in population databases (rs765909612, gnomAD 0.006%). This variant has not been reported in the literature in individuals affected with CSPP1-related conditions. Algorithms developed to predict the effect of sequence changes on RNA splicing suggest that this variant may disrupt the consensus splice site. In summary, the currently available evidence indicates that the variant is pathogenic, but additional data are needed to prove that conclusively. Therefore, this variant has been classified as Likely Pathogenic.

Dr. Peter K. Rogan Lab, Western University
No classification provided (evidence only). Condition: Uterine corpus endometrial carcinoma. Review status: no classification provided. Collection method: in vitro. Allele origin: not applicable. Functional consequence: retained intron. Not counted in ClinVar's aggregate classification.

Literature cited by the submitters: PubMed 16199547 (cited by Labcorp Genetics (formerly Invitae), Labcorp); PubMed 24360807 (cited by Labcorp Genetics (formerly Invitae), Labcorp); PubMed 24360808 (cited by Labcorp Genetics (formerly Invitae), Labcorp).